The following is an entry in ClinVar:

NM_006785.4(MALT1):c.2195T>C (p.Met732Thr)

Gene: MALT1 (MALT1 paracaspase; plus strand). Cytogenetic location: 18q21.32.
Variant type: single nucleotide variant.
Coding change: c.2195T>C on transcript NM_006785.4 (MANE Select); coding-DNA position 2195, T replaced by C.
Protein change: p.Met732Thr; replaces methionine 732 with threonine.
Molecular consequence: missense variant.
Genome position (GRCh38, 1-based): chr18:58,747,562, T>C. VCF-style: chr18-58747562-T-C. GRCh37 (hg19) VCF-style: chr18-56414794-T-C.
Other names: p.Met732Thr; c.2195T>C, p.Met732Thr (LRG_1221t1); c.2162T>C, p.Met721Thr (NM_173844.3); c.2195T>C (NM_006785.2); short protein forms M732T, M721T.
Identifiers: ClinVar variation 658035 (VCV000658035.9), dbSNP rs141329024, ClinGen allele CA8978074.

ClinVar aggregate classification (germline): Uncertain significance. Review status: criteria provided, multiple submitters, no conflicts (2 of 4 stars). 4 submissions from 4 submitters: Uncertain significance (4). Last evaluated 2024-02-28.

Conditions:
Inborn genetic diseases. Identifiers: MedGen C0950123, MeSH D030342.
Combined immunodeficiency due to MALT1 deficiency. Also called: Immunodeficiency 12. Identifiers: Orphanet 397964, MedGen C3809583, MONDO:0014197, OMIM 615468.

Allele frequency attached by ClinVar (database versions not stated): ESP Exome Variant Server 0.00023; gnomAD exomes 0.00023 and 0.00034; ExAC 0.00025; gnomAD 0.00025 and 0.00026; TOPMed 0.00027.
gnomAD v4.1: 525 of 1,614,090 alleles (0.033%); highest among the groups gnomAD compares: East Asian, 0.067%; 1 homozygote.

Submissions (4):

Mayo Clinic Laboratories, Mayo Clinic
Classification: Uncertain significance. Last evaluated: 2024-02-28. Review status: criteria provided, single submitter. Criteria: ACMG Guidelines, 2015. Collection method: clinical testing. Allele origin: germline. Observed: 1 variant allele.
Comment: BP4

Labcorp Genetics (formerly Invitae), Labcorp
Classification: Uncertain significance for Combined immunodeficiency due to MALT1 deficiency. Last evaluated: 2022-10-13. Review status: criteria provided, single submitter. Criteria: Invitae Variant Classification Sherloc (09022015). Collection method: clinical testing. Allele origin: germline.
Comment: This sequence change replaces methionine, which is neutral and non-polar, with threonine, which is neutral and polar, at codon 732 of the MALT1 protein (p.Met732Thr). This variant is present in population databases (rs141329024, gnomAD 0.05%). This variant has not been reported in the literature in individuals affected with MALT1-related conditions. ClinVar contains an entry for this variant (Variation ID: 658035). Advanced modeling of protein sequence and biophysical properties (such as structural, functional, and spatial information, amino acid conservation, physicochemical variation, residue mobility, and thermodynamic stability) performed at Invitae indicates that this missense variant is not expected to disrupt MALT1 protein function. In summary, the available evidence is currently insufficient to determine the role of this variant in disease. Therefore, it has been classified as a Variant of Uncertain Significance.

Ambry Genetics
Classification: Uncertain significance for Inborn genetic diseases. Last evaluated: 2021-08-16. Review status: criteria provided, single submitter. Criteria: Ambry Variant Classification Scheme 2023. Collection method: clinical testing. Allele origin: germline.

Center for Genomics, Ann and Robert H. Lurie Children's Hospital of Chicago
Classification: Uncertain significance for Combined immunodeficiency due to MALT1 deficiency. Last evaluated: 2021-03-30. Review status: criteria provided, single submitter. Criteria: ACMG Guidelines, 2015. Collection method: clinical testing. Allele origin: germline.
Comment: MALT1 NM_006785.3 exon 17 p.Met732Thr (c.2195T>C): This variant has not been reported in the literature but is present in 0.06% (17/25120) of Finnish alleles in the Genome Aggregation Database. This variant is present in ClinVar (Variation ID:658035). Evolutionary conservation suggest thats this variant may not impact the protein; computational predictive tools for this variant are unclear. In summary, data on this variant is insufficient for disease classification. Therefore, the clinical significance of this variant is uncertain.